The following is an entry in ClinVar:

ClinVar aggregate classification (germline): Uncertain significance (1 of 4 stars; one submission).

Conditions:
TSC1-related disorder. Also called: TSC1-related condition.

Submission:

PreventionGenetics, part of Exact Sciences
Classification: Uncertain significance for TSC1-related condition. Last evaluated: 2023-03-13. Review status: criteria provided, single submitter. Criteria: ACMG Guidelines, 2015. Collection method: clinical testing. Allele origin: germline.
Comment: The TSC1 c.3310T>C variant is predicted to result in the amino acid substitution p.Cys1104Arg. To our knowledge, this variant has not been reported in the literature or in a large population database, indicating this variant is rare. At this time, the clinical significance of this variant is uncertain due to the absence of conclusive functional and genetic evidence.

NM_000368.5(TSC1):c.3310T>C (p.Cys1104Arg)

Gene: TSC1 (TSC complex subunit 1; minus strand). Cytogenetic location: 9q34.13.
Variant type: single nucleotide variant.
Coding change: c.3310T>C on transcript NM_000368.5 (MANE Select); coding-DNA position 3310, T replaced by C.
Protein change: p.Cys1104Arg; replaces cysteine 1104 with arginine.
Molecular consequence: missense variant. On other transcripts: non-coding transcript variant (5).
Genome position (GRCh38, 1-based): chr9:132,896,420, A>G on the plus strand (T>C on the coding strand, the complement: TSC1 is on the minus strand). VCF-style: chr9-132896420-A-G. GRCh37 (hg19) VCF-style: chr9-135771807-A-G.
Other names: c.3307T>C, p.Cys1103Arg (NM_001162426.2, NM_001406597.1, NM_001406598.1 and 2 more transcripts); c.3157T>C, p.Cys1053Arg (NM_001162427.2, NM_001406610.1); c.2947T>C, p.Cys983Arg (NM_001362177.2, NM_001406614.1, NM_001406615.1 and 4 more transcripts); c.3310T>C, p.Cys1104Arg (NM_001406592.1, NM_001406593.1, NM_001406594.1 and 2 more transcripts); c.3295T>C, p.Cys1099Arg (NM_001406601.1, NM_001406602.1); c.3292T>C, p.Cys1098Arg (NM_001406603.1, NM_001406604.1); c.3268T>C, p.Cys1090Arg (NM_001406605.1, NM_001406606.1, NM_001406607.1); c.3265T>C, p.Cys1089Arg (NM_001406608.1, NM_001406609.1); and 8 more; short protein forms C1038R, C1052R, C1053R, C1089R, C1090R, C1098R, C1099R, C1103R.
Identifiers: ClinVar variation 2633619 (VCV002633619.1), dbSNP rs2131595125, ClinGen allele CA375366650.
Genomic context (GRCh38, chr9:132,896,420, plus strand): 5'-CTTTGCCCAGTTCTGTCTTTAGGCTCTCAGAAAGGCTACTGGTCATGCCGTCCTCATCAC[A>G]CTGGCTCTCGCTCTTATTACGAAATAACTCTCGAGCCTTCATACCCAGGAAGCTTTTTGA-3'
Protein context (NP_000359.1, residues 1094-1114): ELFRNKSESQ[Cys1104Arg]DEDGMTSSLS